The following is an entry in ClinVar:

NM_000214.3(JAG1):c.2008G>T (p.Asp670Tyr)

Gene: JAG1 (jagged canonical Notch ligand 1; minus strand). Cytogenetic location: 20p12.2.
Variant type: single nucleotide variant.
Coding change: c.2008G>T on transcript NM_000214.3 (MANE Select); coding-DNA position 2008, G replaced by T.
Protein change: p.Asp670Tyr; replaces aspartic acid 670 with tyrosine.
Molecular consequence: missense variant.
Genome position (GRCh38, 1-based): chr20:10,645,461, C>A on the plus strand (G>T on the coding strand, the complement: JAG1 is on the minus strand). VCF-style: chr20-10645461-C-A. GRCh37 (hg19) VCF-style: chr20-10626109-C-A.
Other names: short protein forms D670Y.
Identifiers: ClinVar variation 4746329 (VCV004746329.1).

ClinVar aggregate classification (germline): Uncertain significance (1 of 4 stars; one submission).

Conditions:
Alagille syndrome due to a JAG1 point mutation. Also called: HEPATIC DUCTULAR HYPOPLASIA, SYNDROMATIC; Alagille Syndrome 1; JAG1-Related Alagille Syndrome. Identifiers: Orphanet 261619, Orphanet 52, MedGen C1956125, MONDO:0016862, OMIM 118450.

Submission:

Labcorp Genetics (formerly Invitae), Labcorp
Classification: Uncertain significance for Alagille syndrome due to a JAG1 point mutation. Last evaluated: 2025-05-14. Review status: criteria provided, single submitter. Criteria: Invitae Variant Classification Sherloc (09022015). Collection method: clinical testing. Allele origin: germline.
Comment: This sequence change replaces aspartic acid, which is acidic and polar, with tyrosine, which is neutral and polar, at codon 670 of the JAG1 protein (p.Asp670Tyr). This variant is not present in population databases (gnomAD no frequency). This variant has not been reported in the literature in individuals affected with JAG1-related conditions. Invitae Evidence Modeling of protein sequence and biophysical properties (such as structural, functional, and spatial information, amino acid conservation, physicochemical variation, residue mobility, and thermodynamic stability) indicates that this missense variant is expected to disrupt JAG1 protein function with a positive predictive value of 95%. In summary, the available evidence is currently insufficient to determine the role of this variant in disease. Therefore, it has been classified as a Variant of Uncertain Significance.